The following is an entry in ClinVar:

NM_013266.4(CTNNA3):c.94A>G (p.Ile32Val)

Gene: CTNNA3 (catenin alpha 3; minus strand). Cytogenetic location: 10q21.3.
Variant type: single nucleotide variant.
Coding change: c.94A>G on transcript NM_013266.4 (MANE Select); coding-DNA position 94, A replaced by G.
Protein change: p.Ile32Val; replaces isoleucine 32 with valine.
Molecular consequence: missense variant.
Genome position (GRCh38, 1-based): chr10:67,647,420, T>C on the plus strand (A>G on the coding strand, the complement: CTNNA3 is on the minus strand). VCF-style: chr10-67647420-T-C. GRCh37 (hg19) VCF-style: chr10-69407178-T-C.
Other names: c.94A>G, p.Ile32Val (NM_001127384.3); c.130A>G, p.Ile44Val (NM_001291133.2); short protein forms I32V, I44V.
Identifiers: ClinVar variation 3837207 (VCV003837207.1).

ClinVar aggregate classification (germline): Uncertain significance (1 of 4 stars; one submission).

Submission:

Ambry Genetics
Classification: Uncertain significance. Last evaluated: 2024-12-29. Review status: criteria provided, single submitter. Criteria: Ambry Variant Classification Scheme 2023. Collection method: clinical testing. Allele origin: germline.
Comment: The p.I32V variant (also known as c.94A>G), located in coding exon 1 of the CTNNA3 gene, results from an A to G substitution at nucleotide position 94. The isoleucine at codon 32 is replaced by valine, an amino acid with highly similar properties. This amino acid position is conserved. In addition, this alteration is predicted to be tolerated by in silico analysis. Based on the available evidence, the clinical significance of this variant remains unclear.